The following is an entry in ClinVar:

NM_005188.4(CBL):c.910G>A (p.Ala304Thr)

Gene: CBL (Cbl proto-oncogene; plus strand). Cytogenetic location: 11q23.3.
Variant type: single nucleotide variant.
Coding change: c.910G>A on transcript NM_005188.4 (MANE Select); coding-DNA position 910, G replaced by A.
Protein change: p.Ala304Thr; replaces alanine 304 with threonine.
Molecular consequence: missense variant.
Genome position (GRCh38, 1-based): chr11:119,276,037, G>A. VCF-style: chr11-119276037-G-A. GRCh37 (hg19) VCF-style: chr11-119146747-G-A.
Other names: short protein forms A304T.
Identifiers: ClinVar variation 3996047 (VCV003996047.1).
Genomic context (GRCh38, chr11:119,276,037, plus strand): 5'-CTGTTTATGTCTGTTCATAGTTATATCTTCCGGCTGAGCTGTACTCGTCTGGGTCAGTGG[G>A]CTATTGGGTATGTTACTGCTGATGGGAACATTCTCCAGACAATCCCTCACAATAAACCTC-3'
Protein context (NP_005179.2, residues 294-314): RLSCTRLGQW[Ala304Thr]IGYVTADGNI

ClinVar aggregate classification (germline): Uncertain significance (1 of 4 stars; one submission).

Conditions:
Cardiovascular phenotype. Identifiers: MedGen CN230736.

gnomAD v4.1: 1 of 1,613,910 alleles (0.000062%); highest among the groups gnomAD compares: Non-Finnish European, 0.000085%; no homozygotes.

Submission:

Ambry Genetics
Classification: Uncertain significance for Cardiovascular phenotype. Last evaluated: 2025-05-07. Review status: criteria provided, single submitter. Criteria: Ambry Variant Classification Scheme 2023. Collection method: clinical testing. Allele origin: germline.
Comment: The p.A304T variant (also known as c.910G>A), located in coding exon 6 of the CBL gene, results from a G to A substitution at nucleotide position 910. The alanine at codon 304 is replaced by threonine, an amino acid with similar properties. This amino acid position is conserved. In addition, this alteration is predicted to be deleterious by in silico analysis. Based on the available evidence, the clinical significance of this variant remains unclear.